The following is an entry in ClinVar:

ClinVar aggregate classification (germline): Uncertain significance (1 of 4 stars; one submission).

gnomAD v4.1: 12 of 1,614,020 alleles (0.00074%); highest among the groups gnomAD compares: East Asian, 0.0089%; no homozygotes.

Submission:

Mayo Clinic Laboratories, Mayo Clinic
Classification: Uncertain significance. Last evaluated: 2025-03-03. Review status: criteria provided, single submitter. Criteria: ACMG Guidelines, 2015. Collection method: clinical testing. Allele origin: germline. Observed: 1 variant allele.
Comment: BP4_moderate, PM2_supporting

NM_181507.2(HPS5):c.986A>G (p.Asp329Gly)

Gene: HPS5 (HPS5 biogenesis of lysosomal organelles complex 2 subunit 2; minus strand). Cytogenetic location: 11p15.1.
Variant type: single nucleotide variant.
Coding change: c.986A>G on transcript NM_181507.2 (MANE Select); coding-DNA position 986, A replaced by G.
Protein change: p.Asp329Gly; replaces aspartic acid 329 with glycine.
Molecular consequence: missense variant.
Genome position (GRCh38, 1-based): chr11:18,298,970, T>C on the plus strand (A>G on the coding strand, the complement: HPS5 is on the minus strand). VCF-style: chr11-18298970-T-C. GRCh37 (hg19) VCF-style: chr11-18320517-T-C.
Other names: p.Asp329Gly; c.572A>G, p.Asp191Gly (NM_001440927.1, NM_001440928.1, NM_001440929.1); c.644A>G, p.Asp215Gly (NM_001440930.1, NM_007216.4, NM_181508.2 and 7 more transcripts); c.986A>G, p.Asp329Gly (NM_001440931.1, NM_001440905.1, NM_001440906.1 and 5 more transcripts); c.911A>G, p.Asp304Gly (NM_001440907.1, NM_001440908.1, NM_001440909.1); c.875A>G, p.Asp292Gly (NM_001440913.1, NM_001440914.1, NM_001440915.1); c.800A>G, p.Asp267Gly (NM_001440918.1); c.773A>G, p.Asp258Gly (NM_001440919.1); short protein forms D292G, D329G, D191G, D267G, D215G, D258G, D304G.
Identifiers: ClinVar variation 4541609 (VCV004541609.1).
Genomic context (GRCh38, chr11:18,298,970, plus strand): 5'-ACTTTCCCATTTAGGTGCAAACAGAACAATTCATTCCTACAGACAGCCACATCCTGAATA[T>C]CTACGAAAACCACAGGTGTGAACATACAAAATGTTAACCAAATACCCCTTACAATTTTAA-3'
Protein context (NP_852608.1, residues 319-339): VQVLLWSEVK[Asp329Gly]IQDVAVCRNE